The following is an entry in ClinVar:

ClinVar aggregate classification (germline): Uncertain significance (1 of 4 stars; one submission).

Allele frequency attached by ClinVar (database versions not stated): gnomAD exomes below 0.00001; ExAC 0.00001; gnomAD 0.00001; 1000 Genomes Project 30x 0.00016; 1000 Genomes Project 0.00020.
gnomAD v4.1: 3 of 1,614,158 alleles (0.00019%); highest among the groups gnomAD compares: African/African-American, 0.0027%; no homozygotes.

Submission:

Labcorp Genetics (formerly Invitae), Labcorp
Classification: Uncertain significance. Last evaluated: 2022-11-01. Review status: criteria provided, single submitter. Criteria: Invitae Variant Classification Sherloc (09022015). Collection method: clinical testing. Allele origin: germline.
Comment: This sequence change replaces lysine, which is basic and polar, with arginine, which is basic and polar, at codon 463 of the IMPG2 protein (p.Lys463Arg). This variant is present in population databases (rs538541184, gnomAD 0.007%). This variant has not been reported in the literature in individuals affected with IMPG2-related conditions. ClinVar contains an entry for this variant (Variation ID: 1463827). Advanced modeling of protein sequence and biophysical properties (such as structural, functional, and spatial information, amino acid conservation, physicochemical variation, residue mobility, and thermodynamic stability) performed at Invitae indicates that this missense variant is not expected to disrupt IMPG2 protein function. In summary, the available evidence is currently insufficient to determine the role of this variant in disease. Therefore, it has been classified as a Variant of Uncertain Significance.

NM_016247.4(IMPG2):c.1388A>G (p.Lys463Arg)

Gene: IMPG2 (interphotoreceptor matrix proteoglycan 2; minus strand). Cytogenetic location: 3q12.3.
Variant type: single nucleotide variant.
Coding change: c.1388A>G on transcript NM_016247.4 (MANE Select); coding-DNA position 1388, A replaced by G.
Protein change: p.Lys463Arg; replaces lysine 463 with arginine.
Molecular consequence: missense variant.
Genome position (GRCh38, 1-based): chr3:101,245,957, T>C on the plus strand (A>G on the coding strand, the complement: IMPG2 is on the minus strand). VCF-style: chr3-101245957-T-C. GRCh37 (hg19) VCF-style: chr3-100964801-T-C.
Other names: short protein forms K463R.
Identifiers: ClinVar variation 1463827 (VCV001463827.6), dbSNP rs538541184, ClinGen allele CA2519174.